The following is an entry in ClinVar:

ClinVar aggregate classification (germline): Uncertain significance (1 of 4 stars; one submission).

Conditions:
Hereditary cancer-predisposing syndrome. Also called: Neoplastic Syndromes, Hereditary; Tumor predisposition; Hereditary neoplastic syndrome; Hereditary Cancer Syndrome. Identifiers: Orphanet 140162, MedGen C0027672, MeSH D009386, MONDO:0015356.

Submission:

Ambry Genetics
Classification: Uncertain significance for Hereditary cancer-predisposing syndrome. Last evaluated: 2026-07-03. Review status: criteria provided, single submitter. Criteria: Ambry Variant Classification Scheme 2023. Collection method: clinical testing. Allele origin: germline.
Comment: The p.Q441H variant (also known as c.1323G>C), located in coding exon 12 of the FANCC gene, results from a G to C substitution at nucleotide position 1323. The glutamine at codon 441 is replaced by histidine, an amino acid with highly similar properties. This amino acid position is conserved. In addition, this alteration is predicted to be tolerated by in silico analysis. Based on the available evidence, the clinical significance of this variant remains unclear.

NM_000136.3(FANCC):c.1323G>C (p.Gln441His)

Genes: AOPEP (aminopeptidase O (putative); plus strand), FANCC (FA complementation group C; minus strand). Cytogenetic location: 9q22.32.
Variant type: single nucleotide variant.
Coding change: c.1323G>C on transcript NM_000136.3 (MANE Select); coding-DNA position 1323, G replaced by C.
Protein change: p.Gln441His; replaces glutamine 441 with histidine.
Molecular consequence: missense variant.
Genome position (GRCh38, 1-based): chr9:95,111,469, C>G on the plus strand (G>C on the coding strand, the complement: FANCC is on the minus strand). VCF-style: chr9-95111469-C-G. GRCh37 (hg19) VCF-style: chr9-97873751-C-G.
Other names: c.1323G>C, p.Gln441His (NM_001243743.2, NM_001243744.2); short protein forms Q441H.
Identifiers: ClinVar variation 5036468 (VCV005036468.1).
Genomic context (GRCh38, chr9:95,111,469, plus strand): 5'-CTCTCAGCCCCCCAGAGCCCACCCCAAACACATGCAGTGGGGCCTGCTACCCACCATAGT[C>G]TGTGCTCTCTGCTGCCTCCCATCACGGGGGCCGTAGTAGAAGGCCAAGAGCCACAGCAGG-3'
Protein context (NP_000127.2, residues 431-451): GPRDGRQQRA[Gln441His]TMVQVKAVLG